The following is an entry in ClinVar:

ClinVar aggregate classification (germline): Uncertain significance (1 of 4 stars; one submission).

Allele frequency attached by ClinVar (database versions not stated): ExAC 0.00001; gnomAD 0.00001; gnomAD exomes 0.00001 and 0.00002; TOPMed 0.00003.
gnomAD v4.1: 28 of 1,613,856 alleles (0.0017%); highest among the groups gnomAD compares: Non-Finnish European, 0.0022%; no homozygotes.

Submission:

Labcorp Genetics (formerly Invitae), Labcorp
Classification: Uncertain significance. Last evaluated: 2025-04-14. Review status: criteria provided, single submitter. Criteria: Invitae Variant Classification Sherloc (09022015). Collection method: clinical testing. Allele origin: germline.
Comment: This sequence change replaces asparagine, which is neutral and polar, with serine, which is neutral and polar, at codon 397 of the PRPF3 protein (p.Asn397Ser). This variant is present in population databases (rs782428898, gnomAD 0.002%). This variant has not been reported in the literature in individuals affected with PRPF3-related conditions. ClinVar contains an entry for this variant (Variation ID: 1381747). Invitae Evidence Modeling of protein sequence and biophysical properties (such as structural, functional, and spatial information, amino acid conservation, physicochemical variation, residue mobility, and thermodynamic stability) indicates that this missense variant is not expected to disrupt PRPF3 protein function with a negative predictive value of 95%. In summary, the available evidence is currently insufficient to determine the role of this variant in disease. Therefore, it has been classified as a Variant of Uncertain Significance.

NM_004698.4(PRPF3):c.1190A>G (p.Asn397Ser)

Gene: PRPF3 (pre-mRNA processing factor 3; plus strand). Cytogenetic location: 1q21.2.
Variant type: single nucleotide variant.
Coding change: c.1190A>G on transcript NM_004698.4 (MANE Select); coding-DNA position 1190, A replaced by G.
Protein change: p.Asn397Ser; replaces asparagine 397 with serine.
Molecular consequence: missense variant. On other transcripts: non-coding transcript variant (4).
Genome position (GRCh38, 1-based): chr1:150,338,314, A>G. VCF-style: chr1-150338314-A-G. GRCh37 (hg19) VCF-style: chr1-150310790-A-G.
Other names: c.785A>G, p.Asn262Ser (NM_001350529.1); short protein forms N262S, N397S.
Identifiers: ClinVar variation 1381747 (VCV001381747.6), dbSNP rs782428898, ClinGen allele CA1075543.
Genomic context (GRCh38, chr1:150,338,314, plus strand): 5'-AGGAGCTAAAGGAAGGAGATATTCCTGAAATTGAGTGGTGGGACTCTTACATAATCCCCA[A>G]TGGCTTTGATCTGTGAGTTTGTTTTAGTACCTTTTTAAAAAAACAGTTTTTAATCAGCTG-3'
Protein context (NP_004689.1, residues 387-407): IEWWDSYIIP[Asn397Ser]GFDLTEENPK